The following is an entry in ClinVar:

ClinVar aggregate classification (germline): Benign. Review status: criteria provided, single submitter (1 of 4 stars). 2 submissions from 2 submitters: Benign (1). 1 of the submissions does not count toward it. Last evaluated 2018-08-02.

Conditions:
HK2-related disorder. Also called: HK2-related condition.

Allele frequency attached by ClinVar (database versions not stated): gnomAD exomes 0.00230 and 0.00296; gnomAD 0.00232 and 0.00235; ExAC 0.00255; 1000 Genomes Project 0.00140; 1000 Genomes Project 30x 0.00141; ESP Exome Variant Server 0.00361; TOPMed 0.00222.
gnomAD v4.1: 4,639 of 1,614,206 alleles (0.29%); highest among the groups gnomAD compares: Non-Finnish European, 0.36%; 14 homozygotes.

Submissions (2):

Labcorp Genetics (formerly Invitae), Labcorp
Classification: Benign. Last evaluated: 2018-08-02. Review status: criteria provided, single submitter. Criteria: Invitae Variant Classification Sherloc (09022015). Collection method: clinical testing. Allele origin: germline.

PreventionGenetics, part of Exact Sciences
Classification: Likely benign for HK2-related condition. Last evaluated: 2019-04-01. Review status: no assertion criteria provided. Collection method: clinical testing. Allele origin: germline. Not counted in ClinVar's aggregate classification.
Comment: This variant is classified as likely benign based on ACMG/AMP sequence variant interpretation guidelines (Richards et al. 2015 PMID: 25741868, with internal and published modifications).

NM_000189.5(HK2):c.912G>A (p.Glu304=)

Gene: HK2 (hexokinase 2; plus strand). Cytogenetic location: 2p12.
Variant type: single nucleotide variant.
Coding change: c.912G>A on transcript NM_000189.5 (MANE Select); coding-DNA position 912, G replaced by A.
Protein change: p.Glu304=; no amino-acid change (glutamic acid 304 retained).
Molecular consequence: synonymous variant.
Genome position (GRCh38, 1-based): chr2:74,877,202, G>A. VCF-style: chr2-74877202-G-A. GRCh37 (hg19) VCF-style: chr2-75104329-G-A.
Other names: c.828G>A, p.Glu276= (NM_001371525.2).
Identifiers: ClinVar variation 784456 (VCV000784456.5), dbSNP rs28363014, ClinGen allele CA1731257.